The following is an entry in ClinVar:

NM_002878.4(RAD51D):c.40G>C (p.Glu14Gln)

Genes: RAD51D (RAD51 paralog D; minus strand), RAD51L3-RFFL (RAD51L3-RFFL readthrough; minus strand). Cytogenetic location: 17q12.
Variant type: single nucleotide variant.
Coding change: c.40G>C on transcript NM_002878.4 (MANE Select); coding-DNA position 40, G replaced by C.
Protein change: p.Glu14Gln; replaces glutamic acid 14 with glutamine.
Molecular consequence: missense variant. On other transcripts: non-coding transcript variant (2).
Genome position (GRCh38, 1-based): chr17:35,119,574, C>G on the plus strand (G>C on the coding strand, the complement: RAD51D is on the minus strand). VCF-style: chr17-35119574-C-G. GRCh37 (hg19) VCF-style: chr17-33446593-C-G.
Other names: c.40G>C, p.Glu14Gln (NM_001142571.2, NM_133629.3); short protein forms E14Q.
Identifiers: ClinVar variation 2859721 (VCV002859721.4), dbSNP rs562456790, ClinGen allele CA399092476.

ClinVar aggregate classification (germline): Conflicting classifications of pathogenicity. Review status: criteria provided, conflicting classifications (1 of 4 stars). 2 submissions from 2 submitters: Uncertain significance (1); Likely benign (1). Last evaluated 2026-07-15.

Conditions:
Breast-ovarian cancer, familial, susceptibility to, 4. Identifiers: Orphanet 145, MedGen C3280345, MONDO:0013669, OMIM 614291.
Hereditary cancer-predisposing syndrome. Also called: Hereditary Cancer Syndrome; Hereditary neoplastic syndrome; Neoplastic Syndromes, Hereditary; Tumor predisposition. Identifiers: Orphanet 140162, MedGen C0027672, MeSH D009386, MONDO:0015356.

Submissions (2):

Ambry Genetics
Classification: Likely benign for Hereditary cancer-predisposing syndrome. Last evaluated: 2026-07-15. Review status: criteria provided, single submitter. Criteria: Ambry Variant Classification Scheme 2023. Collection method: clinical testing. Allele origin: germline.

Labcorp Genetics (formerly Invitae), Labcorp
Classification: Uncertain significance for Breast-ovarian cancer, familial, susceptibility to, 4. Last evaluated: 2025-04-09. Review status: criteria provided, single submitter. Criteria: Invitae Variant Classification Sherloc (09022015). Collection method: clinical testing. Allele origin: germline.
Comment: This sequence change replaces glutamic acid, which is acidic and polar, with glutamine, which is neutral and polar, at codon 14 of the RAD51D protein (p.Glu14Gln). This variant is not present in population databases (gnomAD no frequency). This variant has not been reported in the literature in individuals affected with RAD51D-related conditions. ClinVar contains an entry for this variant (Variation ID: 2859721). An algorithm developed to predict the effect of missense changes on protein structure and function (PolyPhen-2) suggests that this variant is likely to be tolerated. In summary, the available evidence is currently insufficient to determine the role of this variant in disease. Therefore, it has been classified as a Variant of Uncertain Significance.